The following is an entry in ClinVar:

ClinVar aggregate classification (germline): Likely pathogenic (1 of 4 stars; one submission).

Conditions:
Unilateral deafness. Identifiers: MedGen C2607947, MONDO:0007426, OMIM 125000, HP:0009900.

gnomAD v4.1: 6 of 1,193,236 alleles (0.0005%); highest among the groups gnomAD compares: East Asian, 0.0072%; no homozygotes.

Submission:

Laboratorio de Genética, Hospital Universitario Reina Sofía
Classification: Likely pathogenic for Unilateral deafness. Last evaluated: 2024-05-31. Review status: criteria provided, single submitter. Criteria: ACMG Guidelines, 2015. Collection method: clinical testing. Allele origin: biparental. Inheritance: Autosomal recessive inheritance. Affected: yes. Observed: 1 variant allele, 1 compound heterozygote.
Comment: This variant is classified as Likely Pathogenic as NM_001039141.3(TRIOBP):c.1372C>T was identified in trans with NM_007032.5(TRIOBP):c.100G>C (each inherited from a different parent), supporting PM3 (Moderate) for an autosomal recessive TRIOBP-related disorder (DFNB28), each variant individually meets ACMG/AMP criterion PM2 (Moderate) (rare/absent in population databases). TRIOBP findings can be diagnostic when variants are in trans.

NM_001039141.3(TRIOBP):c.1372C>T (p.Arg458Trp)

Gene: TRIOBP (TRIO and F-actin binding protein; plus strand). Cytogenetic location: 22q13.1.
Variant type: single nucleotide variant.
Coding change: c.1372C>T on transcript NM_001039141.3 (MANE Select); coding-DNA position 1372, C replaced by T.
Protein change: p.Arg458Trp; replaces arginine 458 with tryptophan.
Molecular consequence: missense variant.
Genome position (GRCh38, 1-based): chr22:37,723,928, C>T. VCF-style: chr22-37723928-C-T. GRCh37 (hg19) VCF-style: chr22-38119935-C-T.
Other names: short protein forms R458W.
Identifiers: ClinVar variation 5016498 (VCV005016498.1).